The following is an entry in ClinVar:

NM_020843.4(SCAPER):c.3203G>A (p.Arg1068Gln)

Genes: SCAPER (S-phase cyclin A associated protein in the ER; minus strand), LOC126862183 (BRD4-independent group 4 enhancer GRCh37_chr15:76726060-76727259; plus strand). Cytogenetic location: 15q24.3.
Variant type: single nucleotide variant.
Coding change: c.3203G>A on transcript NM_020843.4 (MANE Select); coding-DNA position 3203, G replaced by A.
Protein change: p.Arg1068Gln; replaces arginine 1068 with glutamine.
Molecular consequence: missense variant. On other transcripts: non-coding transcript variant (1).
Genome position (GRCh38, 1-based): chr15:76,434,186, C>T on the plus strand (G>A on the coding strand, the complement: SCAPER is on the minus strand). VCF-style: chr15-76434186-C-T. GRCh37 (hg19) VCF-style: chr15-76726527-C-T.
Other names: c.3221G>A (NM_001353009.1); c.2465G>A, p.Arg822Gln (NM_001145923.2); c.3221G>A, p.Arg1074Gln (NM_001353009.2); c.2801G>A, p.Arg934Gln (NM_001353010.2, NM_001353012.2); c.2819G>A, p.Arg940Gln (NM_001353011.2); short protein forms R1068Q, R1074Q, R940Q, R822Q, R934Q.
Identifiers: ClinVar variation 2241366 (VCV002241366.4), dbSNP rs754045128, ClinGen allele CA7674497.

ClinVar aggregate classification (germline): Uncertain significance. Review status: criteria provided, multiple submitters, no conflicts (2 of 4 stars). 4 submissions from 4 submitters: Uncertain significance (4). Last evaluated 2026-03-01.

Conditions:
SCAPER-related disorder. Also called: SCAPER-related condition.
Inborn genetic diseases. Identifiers: MedGen C0950123, MeSH D030342.

Allele frequency attached by ClinVar (database versions not stated): ExAC 0.00001; gnomAD exomes 0.00002; gnomAD 0.00003; TOPMed 0.00003.
gnomAD v4.1: 32 of 1,613,640 alleles (0.002%); highest among the groups gnomAD compares: African/African-American, 0.008%; no homozygotes.

Submissions (4):

GeneDx
Classification: Uncertain significance. Last evaluated: 2026-03-01. Review status: criteria provided, single submitter. Criteria: GeneDx Variant Classification Process June 2021. Collection method: clinical testing. Allele origin: germline.
Comment: In silico analysis suggests that this missense variant does not alter protein structure/function; Has not been previously published as pathogenic or benign to our knowledge

PreventionGenetics, part of Exact Sciences
Classification: Uncertain significance for SCAPER-related condition. Last evaluated: 2025-10-28. Review status: criteria provided, single submitter. Criteria: ACMG Guidelines, 2015. Collection method: clinical testing. Allele origin: germline.
Comment: The SCAPER c.3221G>A variant is predicted to result in the amino acid substitution p.Arg1074Gln. To our knowledge, this variant has not been reported in the literature. This variant is reported in 0.0083% of alleles in individuals of African descent in gnomAD. At this time, the clinical significance of this variant is uncertain due to the absence of conclusive functional and genetic evidence.

Blueprint Genetics
Classification: Uncertain significance. Last evaluated: 2023-11-24. Review status: criteria provided, single submitter. Criteria: ACMG Guidelines, 2015. Collection method: clinical testing. Allele origin: germline.

Ambry Genetics
Classification: Uncertain significance for Inborn genetic diseases. Last evaluated: 2021-08-04. Review status: criteria provided, single submitter. Criteria: Ambry Variant Classification Scheme 2023. Collection method: clinical testing. Allele origin: germline.